The following is an entry in ClinVar:

ClinVar aggregate classification (germline): Uncertain significance (1 of 4 stars; one submission).

Conditions:
Hereditary cancer-predisposing syndrome. Also called: Hereditary neoplastic syndrome; Hereditary Cancer Syndrome; Neoplastic Syndromes, Hereditary; Tumor predisposition. Identifiers: Orphanet 140162, MedGen C0027672, MeSH D009386, MONDO:0015356.

Submission:

Ambry Genetics
Classification: Uncertain significance for Hereditary cancer-predisposing syndrome. Last evaluated: 2023-05-05. Review status: criteria provided, single submitter. Criteria: Ambry Variant Classification Scheme 2023. Collection method: clinical testing. Allele origin: germline.
Comment: The p.A356P variant (also known as c.1066G>C), located in coding exon 9 of the NBN gene, results from a G to C substitution at nucleotide position 1066. The alanine at codon 356 is replaced by proline, an amino acid with highly similar properties. This amino acid position is conserved. In addition, this alteration is predicted to be tolerated by in silico analysis. Since supporting evidence is limited at this time, the clinical significance of this alteration remains unclear.

NM_002485.5(NBN):c.1066G>C (p.Ala356Pro)

Gene: NBN (nibrin; minus strand). Cytogenetic location: 8q21.3.
Variant type: single nucleotide variant.
Coding change: c.1066G>C on transcript NM_002485.5 (MANE Select); coding-DNA position 1066, G replaced by C.
Protein change: p.Ala356Pro; replaces alanine 356 with proline.
Molecular consequence: missense variant.
Genome position (GRCh38, 1-based): chr8:89,958,783, C>G on the plus strand (G>C on the coding strand, the complement: NBN is on the minus strand). VCF-style: chr8-89958783-C-G. GRCh37 (hg19) VCF-style: chr8-90971011-C-G.
Other names: c.820G>C, p.Ala274Pro (NM_001024688.3); short protein forms A274P, A356P.
Identifiers: ClinVar variation 2566734 (VCV002566734.2), dbSNP rs777259845, ClinGen allele CA371656681.